The following is an entry in ClinVar:

NM_001852.4(COL9A2):c.1578_1580dup (p.Val526_Asp527insGlu)

Gene: COL9A2 (collagen type IX alpha 2 chain; minus strand). Cytogenetic location: 1p34.2.
Variant type: Duplication.
Coding change: c.1578_1580dup on transcript NM_001852.4 (MANE Select); coding-DNA positions 1578 to 1580, 3 bases duplicated (GGA; older notation c.1578_1580dupGGA).
Protein change: p.Val526_Asp527insGlu.
Molecular consequence: inframe insertion.
Genome position (GRCh38, 1-based): chr1:40,303,154-40,303,156, TCC duplicated on the plus strand (GGA on the coding strand, the reverse complement: COL9A2 is on the minus strand). VCF-style (leftmost placement, unchanged base first): chr1-40303153-A-ATCC. GRCh37 (hg19) VCF-style: chr1-40768825-A-ATCC.
Identifiers: ClinVar variation 4721348 (VCV004721348.1).

ClinVar aggregate classification (germline): Uncertain significance (1 of 4 stars; one submission).

Submission:

Labcorp Genetics (formerly Invitae), Labcorp
Classification: Uncertain significance. Last evaluated: 2025-06-12. Review status: criteria provided, single submitter. Criteria: Invitae Variant Classification Sherloc (09022015). Collection method: clinical testing. Allele origin: germline.
Comment: This variant, c.1578_1580dup, results in the insertion of 1 amino acid(s) of the COL9A2 protein (p.Val526_Asp527insGlu), but otherwise preserves the integrity of the reading frame. This variant is not present in population databases (gnomAD no frequency). This variant has not been reported in the literature in individuals affected with COL9A2-related conditions. In summary, the available evidence is currently insufficient to determine the role of this variant in disease. Therefore, it has been classified as a Variant of Uncertain Significance.